The following is an entry in ClinVar:

NM_001267550.2(TTN):c.43747G>C (p.Glu14583Gln)

Gene: TTN (titin; minus strand). Cytogenetic location: 2q31.2.
Variant type: single nucleotide variant.
Coding change: c.43747G>C on transcript NM_001267550.2 (MANE Select); coding-DNA position 43747, G replaced by C.
Protein change: p.Glu14583Gln; replaces glutamic acid 14583 with glutamine.
Molecular consequence: missense variant.
Genome position (GRCh38, 1-based): chr2:178,632,147, C>G on the plus strand (G>C on the coding strand, the complement: TTN is on the minus strand). VCF-style: chr2-178632147-C-G. GRCh37 (hg19) VCF-style: chr2-179496874-C-G.
Other names: c.38824G>C, p.Glu12942Gln (NM_001256850.1); c.16552G>C, p.Glu5518Gln (NM_003319.4); c.36043G>C, p.Glu12015Gln (NM_133378.4); c.16927G>C, p.Glu5643Gln (NM_133432.3); c.17128G>C, p.Glu5710Gln (NM_133437.4); short protein forms E12942Q, E5643Q, E5710Q, E14583Q, E5518Q, E12015Q.
Identifiers: ClinVar variation 4789975 (VCV004789975.1).

ClinVar aggregate classification (germline): Uncertain significance (1 of 4 stars; one submission).

Conditions:
Autosomal recessive limb-girdle muscular dystrophy type 2J (LGMDR10). Also called: Limb-girdle muscular dystrophy, type 2J; MUSCULAR DYSTROPHY, LIMB-GIRDLE, AUTOSOMAL RECESSIVE 10. Identifiers: Orphanet 140922, MedGen C1837342, MONDO:0012127, OMIM 608807.
Dilated cardiomyopathy 1G (CMD1G). Identifiers: Orphanet 154, MedGen C1858763, MONDO:0011400, OMIM 604145.

Submission:

Labcorp Genetics (formerly Invitae), Labcorp
Classification: Uncertain significance for Dilated cardiomyopathy 1G; Autosomal recessive limb-girdle muscular dystrophy type 2J. Last evaluated: 2025-11-26. Review status: criteria provided, single submitter. Criteria: Invitae Variant Classification Sherloc (09022015). Collection method: clinical testing. Allele origin: germline.
Comment: This sequence change replaces glutamic acid, which is acidic and polar, with glutamine, which is neutral and polar, at codon 14583 of the TTN protein (p.Glu14583Gln). This variant also falls at the last nucleotide of exon 236, which is part of the consensus splice site for this exon. This variant is not present in population databases (gnomAD no frequency). This variant has not been reported in the literature in individuals affected with TTN-related conditions. Experimental studies and prediction algorithms are not available or were not evaluated, and the functional significance of this variant is currently unknown. Variants that disrupt the consensus splice site are a relatively common cause of aberrant splicing (PMID: 17576681, 9536098). This variant is located in the I band of TTN (PMID: 25589632). Non-truncating variants in this region may be clinically relevant, but have not been definitively shown to cause cardiomyopathy or neuromuscular disease (PMID: 27493940, 32778822). In summary, the available evidence is currently insufficient to determine the role of this variant in disease. Therefore, it has been classified as a Variant of Uncertain Significance.

Literature cited by the submitters: PubMed 17576681; PubMed 9536098; PubMed 25589632; PubMed 27493940; PubMed 32778822.